The following is an entry in ClinVar:

ClinVar aggregate classification (germline): Uncertain significance (1 of 4 stars; one submission).

Submission:

Labcorp Genetics (formerly Invitae), Labcorp
Classification: Uncertain significance. Last evaluated: 2025-09-30. Review status: criteria provided, single submitter. Criteria: Invitae Variant Classification Sherloc (09022015). Collection method: clinical testing. Allele origin: germline.
Comment: This sequence change replaces aspartic acid, which is acidic and polar, with glycine, which is neutral and non-polar, at codon 83 of the THPO protein (p.Asp83Gly). This variant is not present in population databases (gnomAD no frequency). This variant has not been reported in the literature in individuals affected with THPO-related conditions. Invitae Evidence Modeling of protein sequence and biophysical properties (such as structural, functional, and spatial information, amino acid conservation, physicochemical variation, residue mobility, and thermodynamic stability) indicates that this missense variant is not expected to disrupt THPO protein function with a negative predictive value of 80%. In summary, the available evidence is currently insufficient to determine the role of this variant in disease. Therefore, it has been classified as a Variant of Uncertain Significance.

NM_000460.4(THPO):c.248A>G (p.Asp83Gly)

Gene: THPO (thrombopoietin; minus strand). Cytogenetic location: 3q27.1.
Variant type: single nucleotide variant.
Coding change: c.248A>G on transcript NM_000460.4 (MANE Select); coding-DNA position 248, A replaced by G.
Protein change: p.Asp83Gly; replaces aspartic acid 83 with glycine.
Molecular consequence: missense variant.
Genome position (GRCh38, 1-based): chr3:184,373,563, T>C on the plus strand (A>G on the coding strand, the complement: THPO is on the minus strand). VCF-style: chr3-184373563-T-C. GRCh37 (hg19) VCF-style: chr3-184091351-T-C.
Other names: c.248A>G, p.Asp83Gly (NM_001177597.2, NM_001177598.2, NM_001289997.1 and 5 more transcripts); c.668A>G, p.Asp223Gly (NM_001290003.1); short protein forms D83G, D223G.
Identifiers: ClinVar variation 4703902 (VCV004703902.1).